The following is an entry in ClinVar:

ClinVar aggregate classification (germline): Uncertain significance. Review status: criteria provided, multiple submitters, no conflicts (2 of 4 stars). 3 submissions from 3 submitters: Uncertain significance (3). Last evaluated 2024-07-31.

Conditions:
Hereditary cancer-predisposing syndrome. Also called: Hereditary neoplastic syndrome; Neoplastic Syndromes, Hereditary; Hereditary Cancer Syndrome; Tumor predisposition. Identifiers: Orphanet 140162, MedGen C0027672, MeSH D009386, MONDO:0015356.
Multiple endocrine neoplasia type 4. Also called: MULTIPLE ENDOCRINE NEOPLASIA, TYPE IV. Identifiers: Orphanet 276152, MedGen C1970712, MONDO:0012552, OMIM 610755.

Submissions (3):

Ambry Genetics
Classification: Uncertain significance for Hereditary cancer-predisposing syndrome. Last evaluated: 2024-07-31. Review status: criteria provided, single submitter. Criteria: Ambry Variant Classification Scheme 2023. Collection method: clinical testing. Allele origin: germline.
Comment: The p.D37E variant (also known as c.111C>G), located in coding exon 1 of the CDKN1B gene, results from a C to G substitution at nucleotide position 111. The aspartic acid at codon 37 is replaced by glutamic acid, an amino acid with highly similar properties. This amino acid position is conserved. In addition, this alteration is predicted to be tolerated by in silico analysis. Based on the available evidence, the clinical significance of this variant remains unclear.

Sema4
Classification: Uncertain significance for Hereditary cancer-predisposing syndrome. Last evaluated: 2021-10-28. Review status: criteria provided, single submitter. Criteria: Sema4 Curation Guidelines. Collection method: curation. Allele origin: germline.
Comment: The CDKN1B c.111C>G (p.D37E) variant has not been reported in the literature to our knowledge. It was not observed in the large and broad cohorts of the Genome Aggregation Database, but has been reported in ClinVar (Variation ID 570126). Functional studies have not been performed, and in silico predictions of the variant's effect on protein function are inconclusive. The evidence is insufficient to meet ACMG/AMP criteria for classifying the variant as benign or pathogenic. Thus, the clinical significance of this variant is currently uncertain.

Labcorp Genetics (formerly Invitae), Labcorp
Classification: Uncertain significance for Multiple endocrine neoplasia type 4. Last evaluated: 2018-03-25. Review status: criteria provided, single submitter. Criteria: Invitae Variant Classification Sherloc (09022015). Collection method: clinical testing. Allele origin: germline.
Comment: This sequence change replaces aspartic acid with glutamic acid at codon 37 of the CDKN1B protein (p.Asp37Glu). The aspartic acid residue is weakly conserved and there is a small physicochemical difference between aspartic acid and glutamic acid. This variant is not present in population databases (ExAC no frequency). This variant has not been reported in the literature in individuals with CDKN1B-related disease. Algorithms developed to predict the effect of missense changes on protein structure and function do not agree on the potential impact of this missense change (SIFT: "Deleterious"; PolyPhen-2: "Benign"; Align-GVGD: "Class C0"). In summary, the available evidence is currently insufficient to determine the role of this variant in disease. Therefore, it has been classified as a Variant of Uncertain Significance.

NM_004064.5(CDKN1B):c.111C>G (p.Asp37Glu)

Gene: CDKN1B (cyclin dependent kinase inhibitor 1B; plus strand). Cytogenetic location: 12p13.1.
Variant type: single nucleotide variant.
Coding change: c.111C>G on transcript NM_004064.5 (MANE Select); coding-DNA position 111, C replaced by G.
Protein change: p.Asp37Glu; replaces aspartic acid 37 with glutamic acid.
Molecular consequence: missense variant.
Genome position (GRCh38, 1-based): chr12:12,717,950, C>G. VCF-style: chr12-12717950-C-G. GRCh37 (hg19) VCF-style: chr12-12870884-C-G.
Other names: c.111C>G (NM_004064.3); short protein forms D37E.
Identifiers: ClinVar variation 570126 (VCV000570126.11), dbSNP rs1565419320, ClinGen allele CA383968684.
Genomic context (GRCh38, chr12:12,717,950, plus strand): 5'-CGCCAGGCAGGCGGAGCACCCCAAGCCCTCGGCCTGCAGGAACCTCTTCGGCCCGGTGGA[C>G]CACGAAGAGTTAACCCGGGACTTGGAGAAGCACTGCAGAGACATGGAAGAGGCGAGCCAG-3'
Protein context (NP_004055.1, residues 27-47): SACRNLFGPV[Asp37Glu]HEELTRDLEK